The following is an entry in ClinVar:

NM_004364.5(CEBPA):c.546GCC[6] (p.Pro189del)

Gene: CEBPA (CCAAT enhancer binding protein alpha; minus strand). Cytogenetic location: 19q13.11.
Variant type: Microsatellite.
Coding change: c.546GCC[6] on transcript NM_004364.5 (MANE Select); six copies in a row of the 3-base unit GCC starting at c.546; the reference has seven copies in a row; one copy, 3 bases deleted.
Protein change: p.Pro189del; deletes proline 189.
Molecular consequence: inframe deletion.
Genome position (GRCh38, 1-based): chr19:33,301,849-33,301,851, GGC deleted on the plus strand (GCC on the coding strand, the reverse complement: CEBPA is on the minus strand); deleting any 3 consecutive bases within chr19:33,301,849-33,301,869 gives the same sequence; the position shown is the placement nearest the transcript's 3' end. VCF-style (leftmost placement, unchanged base first): chr19-33301848-GGGC-G. GRCh37 (hg19) VCF-style: chr19-33792754-GGGC-G.
Other names: c.189GCC[6], p.Pro70del (NM_001285829.2); c.651GCC[6], p.Pro224del (NM_001287424.2); c.504GCC[6], p.Pro175del (NM_001287435.2); c.564_566delGCC (NM_004364.4, NM_004364.5); short protein forms P175del, P189del, P70del, P224del.
Identifiers: ClinVar variation 641289 (VCV000641289.20), dbSNP rs746430067, ClinGen allele CA9363706.

ClinVar aggregate classification (germline): Conflicting classifications of pathogenicity. Review status: criteria provided, conflicting classifications (1 of 4 stars). 7 submissions from 7 submitters: Uncertain significance (2); Benign (2); Likely benign (2). 1 of the submissions does not count toward it. Last evaluated 2026-03-25.

Conditions:
Inborn genetic diseases. Identifiers: MedGen C0950123, MeSH D030342.
Hereditary cancer-predisposing syndrome. Also called: Neoplastic Syndromes, Hereditary; Hereditary Cancer Syndrome; Hereditary neoplastic syndrome; Tumor predisposition. Identifiers: Orphanet 140162, MedGen C0027672, MeSH D009386, MONDO:0015356.
CEBPA-related disorder. Also called: CEBPA-related condition.
Acute myeloid leukemia (AML). Also called: Acute myeloid leukemia, adult; AML adult; Acute non-lymphocytic leukemia; Acute granulocytic leukemia; Leukemia, acute myeloid, somatic; Leukemia, acute myelogenous, somatic. Identifiers: Orphanet 519, MedGen C0023467, MeSH D015470, MONDO:0018874, OMIM 601626, HP:0004808. Disease mechanism: Constitutively activated FLT3.

Submissions (7):

Dasa
Classification: Likely benign. Last evaluated: 2026-03-25. Review status: criteria provided, single submitter. Criteria: DASA Assertion Criteria. Collection method: clinical testing. Allele origin: germline.
Comment: NM_004364.5(CEBPA):c.564_566delGCC (p.Pro189del) is a sequence variant. Based on the available data, this variant is classified as likely benign.

Blueprint Genetics
Classification: Likely benign. Last evaluated: 2024-11-28. Review status: criteria provided, single submitter. Criteria: ACMG Guidelines, 2015. Collection method: clinical testing. Allele origin: germline.

Ambry Genetics
Classification: Benign for Inborn genetic diseases. Last evaluated: 2024-03-20. Review status: criteria provided, single submitter. Criteria: Ambry Variant Classification Scheme 2023. Collection method: clinical testing. Allele origin: germline.

Sema4
Classification: Uncertain significance for Hereditary cancer-predisposing syndrome. Last evaluated: 2021-08-18. Review status: criteria provided, single submitter. Criteria: Sema4 Curation Guidelines. Collection method: curation. Allele origin: germline.
Comment: The CEBPA c.564_566del (p.P189del) variant has not been reported in the literature to our knowledge. It was observed in 83/7574 chromosomes of the South Asian subpopulation, including no homozygotes, in the large and broad cohorts of the Genome Aggregation Database; however, these AF estimates may not be reliable as this deletion occurs within a repetitive element (PMID: 32461654). The variant has been reported in ClinVar (Variation ID 641289). The evidence is insufficient to meet ACMG/AMP criteria for classifying the variant as benign or pathogenic. Thus, the clinical significance of this variant is currently uncertain.

ARUP Laboratories, Molecular Genetics and Genomics, ARUP Laboratories
Classification: Benign. Last evaluated: 2021-07-09. Review status: criteria provided, single submitter. Criteria: ARUP Molecular Germline Variant Investigation Process 2021. Collection method: clinical testing. Allele origin: germline.

Labcorp Genetics (formerly Invitae), Labcorp
Classification: Uncertain significance for Acute myeloid leukemia. Last evaluated: 2019-04-14. Review status: criteria provided, single submitter. Criteria: Invitae Variant Classification Sherloc (09022015). Collection method: clinical testing. Allele origin: germline.
Comment: This variant has not been reported in the literature in individuals with CEBPA-related disease. In summary, the available evidence is currently insufficient to determine the role of this variant in disease. Therefore, it has been classified as a Variant of Uncertain Significance. Experimental studies and prediction algorithms are not available for this variant, and the functional significance of the affected amino acid(s) is currently unknown. The frequency data for this variant in the population databases is considered unreliable, as metrics indicate poor data quality at this position in the ExAC database. This variant, c.564_566delGCC, results in the deletion of 1 amino acid(s) of the CEBPA protein (p.Pro189del), but otherwise preserves the integrity of the reading frame.

PreventionGenetics, part of Exact Sciences
Classification: Likely benign for CEBPA-related condition. Last evaluated: 2019-03-08. Review status: no assertion criteria provided. Collection method: clinical testing. Allele origin: germline. Not counted in ClinVar's aggregate classification.
Comment: This variant is classified as likely benign based on ACMG/AMP sequence variant interpretation guidelines (Richards et al. 2015 PMID: 25741868, with internal and published modifications).